The following is an entry in ClinVar:

NM_020877.5(DNAH2):c.5770C>T (p.Arg1924Cys)

Gene: DNAH2 (dynein axonemal heavy chain 2; plus strand). Cytogenetic location: 17p13.1.
Variant type: single nucleotide variant.
Coding change: c.5770C>T on transcript NM_020877.5 (MANE Select); coding-DNA position 5770, C replaced by T.
Protein change: p.Arg1924Cys; replaces arginine 1924 with cysteine.
Molecular consequence: missense variant.
Genome position (GRCh38, 1-based): chr17:7,780,204, C>T. VCF-style: chr17-7780204-C-T. GRCh37 (hg19) VCF-style: chr17-7683522-C-T.
Other names: short protein forms R1924C.
Identifiers: ClinVar variation 984733 (VCV000984733.2), dbSNP rs773343805, ClinGen allele CA8357534.

ClinVar aggregate classification (germline): Likely pathogenic. Review status: criteria provided, single submitter (1 of 4 stars). 2 submissions from 2 submitters: Likely pathogenic (1). 1 of the submissions does not count toward it. Last evaluated 2025-05-23.

Conditions:
Spermatogenic failure 45. Identifiers: MedGen C5436791, MONDO:0033671, OMIM 619094.

Allele frequency attached by ClinVar (database versions not stated): ExAC 0.00002; TOPMed 0.00001; gnomAD exomes 0.00001.
gnomAD v4.1: 11 of 1,614,112 alleles (0.00068%); highest among the groups gnomAD compares: East Asian, 0.0067%; no homozygotes.

Submissions (2):

First Genomix Gene Laboratory, Genetic Diagnostics Department
Classification: Likely pathogenic for Spermatogenic failure 45. Last evaluated: 2025-05-23. Review status: criteria provided, single submitter. Criteria: ACMG Guidelines, 2015. Collection method: clinical testing. Allele origin: germline. Inheritance: Autosomal recessive inheritance. Affected: no. Observed: 1 variant allele.

OMIM
Classification: Pathogenic for SPERMATOGENIC FAILURE 45. Last evaluated: 2020-11-12. Review status: no assertion criteria provided. Collection method: literature only. Allele origin: germline. Not counted in ClinVar's aggregate classification.

Literature cited by the submitters: PubMed 30811583 (cited by OMIM).